The following is an entry in ClinVar:

NM_000051.4(ATM):c.3077+8C>G

Gene: ATM (ATM serine/threonine kinase; plus strand). Cytogenetic location: 11q22.3.
Variant type: single nucleotide variant.
Coding change: c.3077+8C>G on transcript NM_000051.4 (MANE Select); 8 bases into the intron after coding-DNA position 3077, C replaced by G.
Molecular consequence: intron variant.
Genome position (GRCh38, 1-based): chr11:108,271,414, C>G. VCF-style: chr11-108271414-C-G. GRCh37 (hg19) VCF-style: chr11-108142141-C-G.
Other names: c.3077+8C>G (NM_001351834.2).
Identifiers: ClinVar variation 453446 (VCV000453446.21), dbSNP rs752601608, ClinGen allele CA601698293.

ClinVar aggregate classification (germline): Benign/Likely benign. Review status: criteria provided, multiple submitters, no conflicts (2 of 4 stars). 7 submissions from 7 submitters: Benign (1); Likely benign (6). Last evaluated 2026-01-05.

Conditions:
Hereditary cancer-predisposing syndrome. Also called: Tumor predisposition; Hereditary Cancer Syndrome; Neoplastic Syndromes, Hereditary; Hereditary neoplastic syndrome. Identifiers: Orphanet 140162, MedGen C0027672, MeSH D009386, MONDO:0015356.
Hereditary breast ovarian cancer syndrome. Also called: Hereditary breast and ovarian cancer syndrome; Hereditary breast and ovarian cancer; Hereditary breast and/or ovarian cancer syndrome; Breast and ovarian cancer; BRCA1- and BRCA2-Associated Hereditary Breast and Ovarian Cancer; Hereditary breast and ovarian cancer syndrome (HBOC). Identifiers: Orphanet 145, MedGen C0677776, MeSH D061325, MONDO:0003582. Disease mechanism: loss of function.
Familial cancer of breast. Also called: Hereditary breast cancer; hereditary breast carcinoma; BREAST CANCER, FAMILIAL. Identifiers: Orphanet 227535, MedGen C0346153, MONDO:0016419, OMIM 114480. Disease mechanism: loss of function.
Ataxia-telangiectasia syndrome (AT). Also called: Cerebello-oculocutaneous telangiectasia; Immunodeficiency with ataxia telangiectasia; Ataxia-telangiectasia, complementation group D; AT, COMPLEMENTATION GROUP C; Ataxia-telangiectasia, complementation group E; LOUIS-BAR SYNDROME. Identifiers: Orphanet 100, MedGen C0004135, MONDO:0008840, OMIM 208900.

Allele frequency attached by ClinVar (database versions not stated): gnomAD 0.00001; TOPMed 0.00001.
gnomAD v4.1: 5 of 1,613,814 alleles (0.00031%); highest among the groups gnomAD compares: Non-Finnish European, 0.00042%; no homozygotes.

Submissions (7):

Labcorp Genetics (formerly Invitae), Labcorp
Classification: Likely benign for Ataxia-telangiectasia syndrome. Last evaluated: 2026-01-05. Review status: criteria provided, single submitter. Criteria: Invitae Variant Classification Sherloc (09022015). Collection method: clinical testing. Allele origin: germline.

Athena Diagnostics
Classification: Likely benign. Last evaluated: 2025-08-05. Review status: criteria provided, single submitter. Criteria: Athena Diagnostics Criteria. Collection method: clinical testing. Allele origin: unknown.
Comment: Computational tools yielded predictions that this variant is unlikely to have an effect on normal RNA splicing. This nucleotide position exhibits low evolutionary conservation.

Women's Health and Genetics/Laboratory Corporation of America, LabCorp
Classification: Likely benign. Last evaluated: 2025-04-15. Review status: criteria provided, single submitter. Criteria: LabCorp Variant Classification Summary - May 2015. Collection method: clinical testing. Allele origin: germline.

Myriad Genetics, Inc.
Classification: Likely benign for Familial cancer of breast. Last evaluated: 2024-05-13. Review status: criteria provided, single submitter. Criteria: Myriad Autosomal Dominant, Autosomal Recessive and X-Linked Classification Criteria (2023). Collection method: clinical testing. Allele origin: unknown.
Comment: This variant is considered likely benign. This variant is intronic and is not expected to impact mRNA splicing.

German Consortium for Hereditary Breast and Ovarian Cancer, University Hospital Cologne
Classification: Likely benign for Hereditary breast ovarian cancer syndrome. Last evaluated: 2024-01-05. Review status: criteria provided, single submitter. Criteria: ACMG Guidelines, 2015. Collection method: curation. Allele origin: germline.
Comment: intronic variant splice prediction negative. According to the ACMG standard criteria we chose this criterium: BP4 (supporting benign): spliceAI: ATM: 0.0

Color Diagnostics, LLC DBA Color Health
Classification: Likely benign for Hereditary cancer-predisposing syndrome. Last evaluated: 2016-12-13. Review status: criteria provided, single submitter. Criteria: ACMG Guidelines, 2015. Collection method: clinical testing. Allele origin: germline.

GeneDx
Classification: Benign. Last evaluated: 2015-07-16. Review status: criteria provided, single submitter. Criteria: GeneDx Variant Classification Process June 2021. Collection method: clinical testing. Allele origin: germline. Affected: yes.

Literature cited by the submitters: PubMed 28779002 (cited by Athena Diagnostics).